The following is an entry in ClinVar:

ClinVar aggregate classification (germline): Uncertain significance (1 of 4 stars; one submission).

Allele frequency attached by ClinVar (database versions not stated): gnomAD exomes 0.00004; ExAC 0.00005; TOPMed 0.00005; gnomAD 0.00007; 1000 Genomes Project 0.00020; 1000 Genomes Project 30x 0.00031.
gnomAD v4.1: 173 of 1,614,156 alleles (0.011%); highest among the groups gnomAD compares: Non-Finnish European, 0.014%; 1 homozygote.

Submission:

Labcorp Genetics (formerly Invitae), Labcorp
Classification: Uncertain significance. Last evaluated: 2023-04-30. Review status: criteria provided, single submitter. Criteria: Invitae Variant Classification Sherloc (09022015). Collection method: clinical testing. Allele origin: germline.
Comment: Advanced modeling of protein sequence and biophysical properties (such as structural, functional, and spatial information, amino acid conservation, physicochemical variation, residue mobility, and thermodynamic stability) performed at Invitae indicates that this missense variant is not expected to disrupt SLC26A5 protein function. This sequence change replaces alanine, which is neutral and non-polar, with threonine, which is neutral and polar, at codon 579 of the SLC26A5 protein (p.Ala579Thr). This variant is present in population databases (rs199745195, gnomAD 0.01%). This variant has not been reported in the literature in individuals affected with SLC26A5-related conditions. ClinVar contains an entry for this variant (Variation ID: 1427362). In summary, the available evidence is currently insufficient to determine the role of this variant in disease. Therefore, it has been classified as a Variant of Uncertain Significance.

NM_198999.3(SLC26A5):c.1735G>A (p.Ala579Thr)

Gene: SLC26A5 (solute carrier family 26 member 5; minus strand). Cytogenetic location: 7q22.1.
Variant type: single nucleotide variant.
Coding change: c.1735G>A on transcript NM_198999.3 (MANE Select); coding-DNA position 1735, G replaced by A.
Protein change: p.Ala579Thr; replaces alanine 579 with threonine.
Molecular consequence: missense variant. On other transcripts: non-coding transcript variant (4), intron variant (2).
Genome position (GRCh38, 1-based): chr7:103,378,496, C>T on the plus strand (G>A on the coding strand, the complement: SLC26A5 is on the minus strand). VCF-style: chr7-103378496-C-T. GRCh37 (hg19) VCF-style: chr7-103018943-C-T.
Other names: c.1639G>A, p.Ala547Thr (NM_001167962.2, NM_001321787.2); c.1735G>A, p.Ala579Thr (NM_206883.3); c.971+19436G>A (NM_206885.3); c.1514+10512G>A (NM_206884.3); short protein forms A579T, A547T.
Identifiers: ClinVar variation 1427362 (VCV001427362.6), dbSNP rs199745195, ClinGen allele CA4419411.